The following is an entry in ClinVar:

ClinVar aggregate classification (germline): Uncertain significance (1 of 4 stars; one submission).

Conditions:
Periodic fever-infantile enterocolitis-autoinflammatory syndrome. Also called: Autoinflammation with infantile enterocolitis. Identifiers: Orphanet 436166, MedGen C4015067, MONDO:0014472, OMIM 616050.
Familial cold autoinflammatory syndrome 4 (FCAS4). Identifiers: Orphanet 47045, Orphanet 576349, MedGen C4015276, MONDO:0014498, OMIM 616115.

Allele frequency attached by ClinVar (database versions not stated): TOPMed below 0.00001.
gnomAD v4.1: 5 of 1,613,382 alleles (0.00031%); highest among the groups gnomAD compares: African/African-American, 0.0013%; no homozygotes.

Submission:

Labcorp Genetics (formerly Invitae), Labcorp
Classification: Uncertain significance for Periodic fever-infantile enterocolitis-autoinflammatory syndrome; Familial cold autoinflammatory syndrome 4. Last evaluated: 2025-07-09. Review status: criteria provided, single submitter. Criteria: Invitae Variant Classification Sherloc (09022015). Collection method: clinical testing. Allele origin: germline.
Comment: This sequence change replaces leucine, which is neutral and non-polar, with phenylalanine, which is neutral and non-polar, at codon 108 of the NLRC4 protein (p.Leu108Phe). This variant is present in population databases (no rsID available, gnomAD 0.0009%). This variant has not been reported in the literature in individuals affected with NLRC4-related conditions. ClinVar contains an entry for this variant (Variation ID: 2169710). Invitae Evidence Modeling of protein sequence and biophysical properties (such as structural, functional, and spatial information, amino acid conservation, physicochemical variation, residue mobility, and thermodynamic stability) indicates that this missense variant is not expected to disrupt NLRC4 protein function with a negative predictive value of 80%. In summary, the available evidence is currently insufficient to determine the role of this variant in disease. Therefore, it has been classified as a Variant of Uncertain Significance.

NM_001199138.2(NLRC4):c.324G>C (p.Leu108Phe)

Gene: NLRC4 (NLR family CARD domain containing 4; minus strand). Cytogenetic location: 2p22.3.
Variant type: single nucleotide variant.
Coding change: c.324G>C on transcript NM_001199138.2 (MANE Select); coding-DNA position 324, G replaced by C.
Protein change: p.Leu108Phe; replaces leucine 108 with phenylalanine.
Molecular consequence: missense variant. On other transcripts: intron variant (1).
Genome position (GRCh38, 1-based): chr2:32,251,540, C>G on the plus strand (G>C on the coding strand, the complement: NLRC4 is on the minus strand). VCF-style: chr2-32251540-C-G. GRCh37 (hg19) VCF-style: chr2-32476609-C-G.
Other names: c.324G>C, p.Leu108Phe (NM_001199139.2, NM_021209.5); c.262+879G>C (NM_001302504.1); short protein forms L108F.
Identifiers: ClinVar variation 2169710 (VCV002169710.4), dbSNP rs959814483, ClinGen allele CA44754074.